The following is an entry in ClinVar:

ClinVar aggregate classification (germline): Uncertain significance (1 of 4 stars; one submission).

Conditions:
Inborn genetic diseases. Identifiers: MedGen C0950123, MeSH D030342.

Submission:

Ambry Genetics
Classification: Uncertain significance for Inborn genetic diseases. Last evaluated: 2025-06-18. Review status: criteria provided, single submitter. Criteria: Ambry Variant Classification Scheme 2023. Collection method: clinical testing. Allele origin: germline.
Comment: The c.535G>T (p.D179Y) alteration is located in exon 2 (coding exon 2) of the POU4F3 gene. This alteration results from a G to T substitution at nucleotide position 535, causing the aspartic acid (D) at amino acid position 179 to be replaced by a tyrosine (Y). This variant was not reported in population-based cohorts in the Genome Aggregation Database (gnomAD). This amino acid position is well conserved in available vertebrate species. This alteration is predicted to be deleterious by in silico analysis. Based on insufficient or conflicting evidence, the clinical significance of this alteration remains unclear.

NM_002700.3(POU4F3):c.535G>T (p.Asp179Tyr)

Genes: POU4F3 (POU class 4 homeobox 3; plus strand), RBM27-POU4F3 (RBM27-POU4F3 readthrough; plus strand). Cytogenetic location: 5q32.
Variant type: single nucleotide variant.
Coding change: c.535G>T on transcript NM_002700.3 (MANE Select); coding-DNA position 535, G replaced by T.
Protein change: p.Asp179Tyr; replaces aspartic acid 179 with tyrosine.
Molecular consequence: missense variant. On other transcripts: 3 prime UTR variant (1).
Genome position (GRCh38, 1-based): chr5:146,339,962, G>T. VCF-style: chr5-146339962-G-T. GRCh37 (hg19) VCF-style: chr5-145719525-G-T.
Other names: c.*404G>T (NM_001414499.1); short protein forms D179Y.
Identifiers: ClinVar variation 3782081 (VCV003782081.2).
Genomic context (GRCh38, chr5:146,339,962, plus strand): 5'-ATGGGCATGAGTCACCCGCACACCGTGGCCCCTCATAGCGCCATGCCTGCATGCCTCAGC[G>T]ACGTGGAGTCAGACCCGCGCGAGCTGGAAGCCTTCGCCGAGCGCTTCAAGCAGCGGCGCA-3'
Protein context (NP_002691.1, residues 169-189): PHSAMPACLS[Asp179Tyr]VESDPRELEA